The following is an entry in ClinVar:

NM_012213.3(MLYCD):c.355G>T (p.Ala119Ser)

Gene: MLYCD (malonyl-CoA decarboxylase; plus strand). Cytogenetic location: 16q23.3.
Variant type: single nucleotide variant.
Coding change: c.355G>T on transcript NM_012213.3 (MANE Select); coding-DNA position 355, G replaced by T.
Protein change: p.Ala119Ser; replaces alanine 119 with serine.
Molecular consequence: missense variant.
Genome position (GRCh38, 1-based): chr16:83,899,499, G>T. VCF-style: chr16-83899499-G-T. GRCh37 (hg19) VCF-style: chr16-83933104-G-T.
Other names: short protein forms A119S.
Identifiers: ClinVar variation 935141 (VCV000935141.9), dbSNP rs779658559, ClinGen allele CA8197202.
Genomic context (GRCh38, chr16:83,899,499, plus strand): 5'-CACGGCCAGGTGGCGGAGCAGAGCGCCGGCGTGCTCCATCTGCGCCAGCAGCAGCGGGAG[G>T]CGGCGGTGCTGCTGCAGGCCGAGGACCGGCTGCGCTACGCGCTGGTGCCGCGCTATCGCG-3'
Protein context (NP_036345.2, residues 109-129): VLHLRQQQRE[Ala119Ser]AVLLQAEDRL

ClinVar aggregate classification (germline): Uncertain significance. Review status: criteria provided, multiple submitters, no conflicts (2 of 4 stars). 2 submissions from 2 submitters: Uncertain significance (2). Last evaluated 2024-04-17.

Conditions:
Inborn genetic diseases. Identifiers: MedGen C0950123, MeSH D030342.
Deficiency of malonyl-CoA decarboxylase. Also called: Malonic aciduria; MCD deficiency. Identifiers: Orphanet 943, MedGen C0342793, MONDO:0009556, OMIM 248360.

Allele frequency attached by ClinVar (database versions not stated): TOPMed below 0.00001; gnomAD 0.00001; gnomAD exomes 0.00001 and 0.00004; ExAC 0.00004.
gnomAD v4.1: 53 of 1,570,366 alleles (0.0034%); highest among the groups gnomAD compares: Non-Finnish European, 0.0045%; no homozygotes.

Submissions (2):

Labcorp Genetics (formerly Invitae), Labcorp
Classification: Uncertain significance for Deficiency of malonyl-CoA decarboxylase. Last evaluated: 2024-04-17. Review status: criteria provided, single submitter. Criteria: Invitae Variant Classification Sherloc (09022015). Collection method: clinical testing. Allele origin: germline.
Comment: This sequence change replaces alanine, which is neutral and non-polar, with serine, which is neutral and polar, at codon 119 of the MLYCD protein (p.Ala119Ser). The frequency data for this variant in the population databases is considered unreliable, as metrics indicate poor data quality at this position in the gnomAD database. This variant has not been reported in the literature in individuals affected with MLYCD-related conditions. ClinVar contains an entry for this variant (Variation ID: 935141). An algorithm developed to predict the effect of missense changes on protein structure and function (PolyPhen-2) suggests that this variant is likely to be tolerated. In summary, the available evidence is currently insufficient to determine the role of this variant in disease. Therefore, it has been classified as a Variant of Uncertain Significance.

Ambry Genetics
Classification: Uncertain significance for Inborn genetic diseases. Last evaluated: 2023-10-27. Review status: criteria provided, single submitter. Criteria: Ambry Variant Classification Scheme 2023. Collection method: clinical testing. Allele origin: germline.